The following is an entry in ClinVar:

ClinVar aggregate classification (germline): Uncertain significance (1 of 4 stars; one submission).

Conditions:
Hereditary cancer-predisposing syndrome. Also called: Hereditary neoplastic syndrome; Neoplastic Syndromes, Hereditary; Tumor predisposition; Hereditary Cancer Syndrome. Identifiers: Orphanet 140162, MedGen C0027672, MeSH D009386, MONDO:0015356.

Submission:

Ambry Genetics
Classification: Uncertain significance for Hereditary cancer-predisposing syndrome. Last evaluated: 2025-03-01. Review status: criteria provided, single submitter. Criteria: Ambry Variant Classification Scheme 2023. Collection method: clinical testing. Allele origin: germline.
Comment: The c.1146G>T variant (also known as p.G382G), located in coding exon 4 of the ALK gene, results from a G to T substitution at nucleotide position 1146. This nucleotide substitution does not change the glycine at codon 382. This nucleotide position is not well conserved in available vertebrate species. In silico splice site analysis predicts that this alteration will result in the creation or strengthening of a novel splice donor site. Based on the available evidence, the clinical significance of this variant remains unclear.

NM_004304.5(ALK):c.1146G>T (p.Gly382=)

Gene: ALK (ALK receptor tyrosine kinase; minus strand). Cytogenetic location: 2p23.2.
Variant type: single nucleotide variant.
Coding change: c.1146G>T on transcript NM_004304.5 (MANE Select); coding-DNA position 1146, G replaced by T.
Protein change: p.Gly382=; no amino-acid change (glycine 382 retained).
Molecular consequence: synonymous variant.
Genome position (GRCh38, 1-based): chr2:29,531,923, C>A on the plus strand (G>T on the coding strand, the complement: ALK is on the minus strand). VCF-style: chr2-29531923-C-A. GRCh37 (hg19) VCF-style: chr2-29754789-C-A.
Identifiers: ClinVar variation 3854836 (VCV003854836.1).